The following is an entry in ClinVar:

NM_001851.6(COL9A1):c.2416G>C (p.Glu806Gln)

Gene: COL9A1 (collagen type IX alpha 1 chain; minus strand). Cytogenetic location: 6q13.
Variant type: single nucleotide variant.
Coding change: c.2416G>C on transcript NM_001851.6 (MANE Select); coding-DNA position 2416, G replaced by C.
Protein change: p.Glu806Gln; replaces glutamic acid 806 with glutamine.
Molecular consequence: missense variant. On other transcripts: non-coding transcript variant (1).
Genome position (GRCh38, 1-based): chr6:70,232,670, C>G on the plus strand (G>C on the coding strand, the complement: COL9A1 is on the minus strand). VCF-style: chr6-70232670-C-G. GRCh37 (hg19) VCF-style: chr6-70942373-C-G.
Other names: c.1717G>C, p.Glu573Gln (NM_001377289.1); c.1540G>C, p.Glu514Gln (NM_001377290.1); c.1687G>C, p.Glu563Gln (NM_078485.4); short protein forms E514Q, E573Q, E806Q, E563Q.
Identifiers: ClinVar variation 1430580 (VCV001430580.6), dbSNP rs1391517875, ClinGen allele CA364671913.

ClinVar aggregate classification (germline): Uncertain significance. Review status: criteria provided, multiple submitters, no conflicts (2 of 4 stars). 2 submissions from 2 submitters: Uncertain significance (2). Last evaluated 2021-09-28.

Allele frequency attached by ClinVar (database versions not stated): gnomAD exomes 0.00001.
gnomAD v4.1: 2 of 1,614,082 alleles (0.00012%); highest among the groups gnomAD compares: Admixed American, 0.0033%; no homozygotes.

Submissions (2):

Blueprint Genetics
Classification: Uncertain significance. Last evaluated: 2021-09-28. Review status: criteria provided, single submitter. Criteria: ACMG Guidelines, 2015. Collection method: clinical testing. Allele origin: germline.

Labcorp Genetics (formerly Invitae), Labcorp
Classification: Uncertain significance. Last evaluated: 2021-09-17. Review status: criteria provided, single submitter. Criteria: Invitae Variant Classification Sherloc (09022015). Collection method: clinical testing. Allele origin: germline.
Comment: This sequence change replaces glutamic acid with glutamine at codon 806 of the COL9A1 protein (p.Glu806Gln). The glutamic acid residue is highly conserved and there is a small physicochemical difference between glutamic acid and glutamine. This variant is not present in population databases (ExAC no frequency). This variant has not been reported in the literature in individuals with COL9A1-related conditions. Advanced modeling of protein sequence and biophysical properties (such as structural, functional, and spatial information, amino acid conservation, physicochemical variation, residue mobility, and thermodynamic stability) performed at Invitae indicates that this missense variant is not expected to disrupt COL9A1 protein function. Algorithms developed to predict the effect of sequence changes on RNA splicing suggest that this variant may create or strengthen a splice site, but this prediction has not been confirmed by published transcriptional studies. In summary, the available evidence is currently insufficient to determine the role of this variant in disease. Therefore, it has been classified as a Variant of Uncertain Significance.